The following is an entry in ClinVar:

NM_005045.4(RELN):c.6048T>G (p.Asn2016Lys)

Gene: RELN (reelin; minus strand). Cytogenetic location: 7q22.1.
Variant type: single nucleotide variant.
Coding change: c.6048T>G on transcript NM_005045.4 (MANE Select); coding-DNA position 6048, T replaced by G.
Protein change: p.Asn2016Lys; replaces asparagine 2016 with lysine.
Molecular consequence: missense variant.
Genome position (GRCh38, 1-based): chr7:103,553,485, A>C on the plus strand (T>G on the coding strand, the complement: RELN is on the minus strand). VCF-style: chr7-103553485-A-C. GRCh37 (hg19) VCF-style: chr7-103193932-A-C.
Other names: c.6048T>G, p.Asn2016Lys (NM_173054.3); short protein forms N2016K.
Identifiers: ClinVar variation 2094796 (VCV002094796.4), dbSNP rs1249710285, ClinGen allele CA368739394.
Genomic context (GRCh38, chr7:103,553,485, plus strand): 5'-AATTTAAAGCATTTATTATAGAACAAAGTCAAGTACCTCAAATTGTATGATGGTGTTCTC[A>C]TTCACATTTAGGTCACGGGTGGTAATGGAATGCTCACCAACTTCATTTGAAACAAACACC-3'
Protein context (NP_005036.2, residues 2006-2026): HSITTRDLNV[Asn2016Lys]ENTIIQFEIN

ClinVar aggregate classification (germline): Uncertain significance (1 of 4 stars; one submission).

Conditions:
Norman-Roberts syndrome (LIS2). Also called: Lissencephaly 2 (Norman-Roberts type). Identifiers: Orphanet 89844, MedGen C0796089, MONDO:0009760, OMIM 257320.
Familial temporal lobe epilepsy 7. Identifiers: Orphanet 101046, MedGen C4225327, MONDO:0014639, OMIM 616436.

Allele frequency attached by ClinVar (database versions not stated): gnomAD exomes below 0.00001.
gnomAD v4.1: 1 of 1,613,576 alleles (0.000062%); highest among the groups gnomAD compares: Admixed American, 0.0017%; no homozygotes.

Submission:

Labcorp Genetics (formerly Invitae), Labcorp
Classification: Uncertain significance for Familial temporal lobe epilepsy 7; Norman-Roberts syndrome. Last evaluated: 2022-03-19. Review status: criteria provided, single submitter. Criteria: Invitae Variant Classification Sherloc (09022015). Collection method: clinical testing. Allele origin: germline.
Comment: This variant is present in population databases (no rsID available, gnomAD 0.003%). This sequence change replaces asparagine, which is neutral and polar, with lysine, which is basic and polar, at codon 2016 of the RELN protein (p.Asn2016Lys). This variant has not been reported in the literature in individuals affected with RELN-related conditions. In summary, the available evidence is currently insufficient to determine the role of this variant in disease. Therefore, it has been classified as a Variant of Uncertain Significance. Algorithms developed to predict the effect of missense changes on protein structure and function are either unavailable or do not agree on the potential impact of this missense change (SIFT: "Deleterious"; PolyPhen-2: "Benign"; Align-GVGD: "Class C0").